The following is an entry in ClinVar:

ClinVar aggregate classification (germline): Uncertain significance (1 of 4 stars; one submission).

Allele frequency attached by ClinVar (database versions not stated): gnomAD exomes below 0.00001.
gnomAD v4.1: 1 of 1,614,072 alleles (0.000062%); highest among the groups gnomAD compares: African/African-American, 0.0013%; no homozygotes.

Submission:

Ambry Genetics
Classification: Uncertain significance. Last evaluated: 2024-09-05. Review status: criteria provided, single submitter. Criteria: Ambry Variant Classification Scheme 2023. Collection method: clinical testing. Allele origin: germline.
Comment: The p.P183S variant (also known as c.547C>T), located in coding exon 1 of the MLH3 gene, results from a C to T substitution at nucleotide position 547. The proline at codon 183 is replaced by serine, an amino acid with similar properties. This amino acid position is conserved. In addition, this alteration is predicted to be deleterious by in silico analysis. Since supporting evidence is limited at this time, the clinical significance of this alteration remains unclear.

NM_001040108.2(MLH3):c.547C>T (p.Pro183Ser)

Gene: MLH3 (mutL homolog 3; minus strand). Cytogenetic location: 14q24.3.
Variant type: single nucleotide variant.
Coding change: c.547C>T on transcript NM_001040108.2 (MANE Select); coding-DNA position 547, C replaced by T.
Protein change: p.Pro183Ser; replaces proline 183 with serine.
Molecular consequence: missense variant.
Genome position (GRCh38, 1-based): chr14:75,049,109, G>A on the plus strand (C>T on the coding strand, the complement: MLH3 is on the minus strand). VCF-style: chr14-75049109-G-A. GRCh37 (hg19) VCF-style: chr14-75515812-G-A.
Other names: c.547C>T, p.Pro183Ser (NM_014381.3); short protein forms P183S.
Identifiers: ClinVar variation 1747784 (VCV001747784.3), dbSNP rs1351462854, ClinGen allele CA390449918.